The following is an entry in ClinVar:

ClinVar aggregate classification (germline): Likely benign. Review status: criteria provided, multiple submitters, no conflicts (2 of 4 stars). 2 submissions from 2 submitters: Likely benign (2). Last evaluated 2025-05-28.

Conditions:
Tuberous sclerosis 2 (TSC2). Identifiers: Orphanet 805, MedGen C1860707, MONDO:0013199, OMIM 613254.

Allele frequency attached by ClinVar (database versions not stated): gnomAD exomes below 0.00001.
gnomAD v4.1: 4 of 1,612,752 alleles (0.00025%); highest among the groups gnomAD compares: East Asian, 0.0022%; no homozygotes.

Submissions (2):

Myriad Genetics, Inc.
Classification: Likely benign for Tuberous sclerosis 2. Last evaluated: 2025-05-28. Review status: criteria provided, single submitter. Criteria: Myriad Autosomal Dominant, Autosomal Recessive and X-Linked Classification Criteria (2023). Collection method: clinical testing. Allele origin: unknown.
Comment: This variant is considered likely benign. This variant is intronic and is not expected to impact mRNA splicing.

Labcorp Genetics (formerly Invitae), Labcorp
Classification: Likely benign for Tuberous sclerosis 2. Last evaluated: 2024-04-24. Review status: criteria provided, single submitter. Criteria: Invitae Variant Classification Sherloc (09022015). Collection method: clinical testing. Allele origin: germline.

NM_000548.5(TSC2):c.3284+8C>T

Gene: TSC2 (TSC complex subunit 2; plus strand). Cytogenetic location: 16p13.3.
Variant type: single nucleotide variant.
Coding change: c.3284+8C>T on transcript NM_000548.5 (MANE Select); 8 bases into the intron after coding-DNA position 3284, C replaced by T.
Molecular consequence: intron variant.
Genome position (GRCh38, 1-based): chr16:2,079,436, C>T. VCF-style: chr16-2079436-C-T. GRCh37 (hg19) VCF-style: chr16-2129437-C-T.
Other names: c.3284+8C>T (NM_001114382.3); c.3155+8C>T (NM_021055.3, NM_001370405.1, NM_001363528.2); c.3152+8C>T (NM_001370404.1, NM_001077183.3); c.3044+8C>T (NM_001318827.2); c.2552+8C>T (NM_001318831.2); c.3008+8C>T (NM_001318829.2); c.3185+8C>T (NM_001318832.2).
Identifiers: ClinVar variation 837089 (VCV000837089.8), dbSNP rs2089849102, ClinGen allele CA916081790.